The following is an entry in ClinVar:

NM_002203.4(ITGA2):c.*29G>A

Gene: ITGA2 (integrin subunit alpha 2; plus strand). Cytogenetic location: 5q11.2.
Variant type: single nucleotide variant.
Coding change: c.*29G>A on transcript NM_002203.4 (MANE Select); 29 bases downstream of the stop codon, G replaced by A.
Molecular consequence: 3 prime UTR variant. On other transcripts: non-coding transcript variant (5).
Genome position (GRCh38, 1-based): chr5:53,090,628, G>A. VCF-style: chr5-53090628-G-A. GRCh37 (hg19) VCF-style: chr5-52386458-G-A.
Identifiers: ClinVar variation 353783 (VCV000353783.6), dbSNP rs13173706, ClinGen allele CA3263554.

ClinVar aggregate classification (germline): Benign. Review status: criteria provided, multiple submitters, no conflicts (2 of 4 stars). 2 submissions from 2 submitters: Benign (2). Last evaluated 2018-01-13.

Conditions:
Platelet-type bleeding disorder 9 (BDPLT9). Also called: GLYCOPROTEIN Ia DEFICIENCY; GP Ia DEFICIENCY; COLLAGEN PLATELET RECEPTOR DEFICIENCY. Identifiers: Orphanet 73271, Orphanet 98886, MedGen C3280114, MONDO:0013622, OMIM 614200.

Allele frequency attached by ClinVar (database versions not stated): 1000 Genomes Project 30x 0.00422; 1000 Genomes Project 0.00439; gnomAD 0.00653; ESP Exome Variant Server 0.00792; TOPMed 0.00794; ExAC 0.00839.
gnomAD v4.1: 15,204 of 1,560,118 alleles (0.97%); highest among the groups gnomAD compares: Middle Eastern, 1.1%; 106 homozygotes.

Submissions (2):

Illumina Laboratory Services, Illumina
Classification: Benign for Platelet-type bleeding disorder 9. Last evaluated: 2018-01-13. Review status: criteria provided, single submitter. Criteria: ICSL Variant Classification Criteria 13 December 2019. Collection method: clinical testing. Allele origin: germline.
Comment: This variant was observed in the ICSL laboratory as part of a predisposition screen in an ostensibly healthy population. It had not been previously curated by ICSL or reported in the Human Gene Mutation Database (HGMD: prior to June 1st, 2018), and was therefore a candidate for classification through an automated scoring system. Utilizing variant allele frequency, disease prevalence and penetrance estimates, and inheritance mode, an automated score was calculated to assess if this variant is too frequent to cause the disease. Based on the score and internal cut-off values, a variant classified as benign is not then subjected to further curation. The score for this variant resulted in a classification of benign for this disease.

Breakthrough Genomics
Classification: Benign. Review status: criteria provided, single submitter. Criteria: ACMG Guidelines, 2015. Collection method: not provided. Allele origin: germline. Inheritance: Unknown mechanism. Affected: yes.